The following is an entry in ClinVar:

ClinVar aggregate classification (germline): Uncertain significance (1 of 4 stars; one submission).

Conditions:
CIB2-related disorder. Also called: CIB2-related condition.

gnomAD v4.1: 52 of 1,128,788 alleles (0.0046%); highest among the groups gnomAD compares: Non-Finnish European, 0.0061%; no homozygotes.

Submission:

PreventionGenetics, part of Exact Sciences
Classification: Uncertain significance for CIB2-related condition. Last evaluated: 2026-08-24. Review status: criteria provided, single submitter. Criteria: ACMG Guidelines, 2015. Collection method: clinical testing. Allele origin: germline.
Comment: The CIB2 c.97C>T variant is predicted to result in premature protein termination (p.Arg33*). This variant is intronic in the canonical transcript NM_006383:c.199-117C>T and is not predicted to alter the splicing site. To our knowledge this variant has not been reported in the literature. This variant is reported in 0.0056% of alleles in individuals of European (Non-Finnish) descent in gnomAD. At this time, the clinical significance of this variant is uncertain due to the absence of conclusive functional and genetic evidence.

NM_006383.4(CIB2):c.199-117C>T

Gene: CIB2 (calcium and integrin binding family member 2; minus strand). Cytogenetic location: 15q25.1.
Variant type: single nucleotide variant.
Coding change: c.199-117C>T on transcript NM_006383.4 (MANE Select); 117 bases into the intron before coding-DNA position 199, C replaced by T.
Molecular consequence: intron variant. On other transcripts: nonsense (1).
Genome position (GRCh38, 1-based): chr15:78,109,499, G>A on the plus strand (C>T on the coding strand, the complement: CIB2 is on the minus strand). VCF-style: chr15-78109499-G-A. GRCh37 (hg19) VCF-style: chr15-78401841-G-A.
Other names: c.97C>T, p.Arg33Ter (NM_001301224.2); c.52-117C>T (NM_001271889.2); c.70-117C>T (NM_001271888.2); c.97C>T (NM_001301224.1); short protein forms R33*.
Identifiers: ClinVar variation 4990284 (VCV004990284.1), dbSNP rs778720579.
Genomic context (GRCh38, chr15:78,109,499, plus strand): 5'-GAGCCAGACTGTGGACAGCCTGTGTGACCCTGGAGGAGTGACCAAATCCCTCTGAGCCTC[G>A]GTTTCCCCATCTGTAAAAAGGGAATAATAATAACACCTTCTTAATTGGGTTGTGATGGGA-3'